The following is an entry in ClinVar:

ClinVar aggregate classification (germline): Uncertain significance (1 of 4 stars; one submission).

gnomAD v4.1: 27 of 1,613,386 alleles (0.0017%); highest among the groups gnomAD compares: African/African-American, 0.011%; no homozygotes.

Submission:

CeGaT Center for Human Genetics Tuebingen
Classification: Uncertain significance. Last evaluated: 2026-06-01. Review status: criteria provided, single submitter. Criteria: CeGaT Center For Human Genetics Tuebingen Variant Classification Criteria Version 2. Collection method: clinical testing. Allele origin: germline. Affected: yes. Observed: 1 variant allele.
Comment: DRD3: PM2, BP4

NM_000796.6(DRD3):c.113C>T (p.Ala38Val)

Gene: DRD3 (dopamine receptor D3; minus strand). Cytogenetic location: 3q13.31.
Variant type: single nucleotide variant.
Coding change: c.113C>T on transcript NM_000796.6 (MANE Select); coding-DNA position 113, C replaced by T.
Protein change: p.Ala38Val; replaces alanine 38 with valine.
Molecular consequence: missense variant.
Genome position (GRCh38, 1-based): chr3:114,171,880, G>A on the plus strand (C>T on the coding strand, the complement: DRD3 is on the minus strand). VCF-style: chr3-114171880-G-A. GRCh37 (hg19) VCF-style: chr3-113890727-G-A.
Other names: c.113C>T, p.Ala38Val (NM_001282563.2, NM_001290809.1, NM_033663.6); short protein forms A38V.
Identifiers: ClinVar variation 4872542 (VCV004872542.2).